The following is an entry in ClinVar:

ClinVar aggregate classification (germline): Uncertain significance. Review status: criteria provided, multiple submitters, no conflicts (2 of 4 stars). 3 submissions from 3 submitters: Uncertain significance (3). Last evaluated 2025-05-20.

Conditions:
Familial thoracic aortic aneurysm and aortic dissection (TAAD). Also called: Thoracic aortic aneurysms and dissections. Identifiers: Orphanet 91387, MedGen C4707243, MONDO:0019625.

Submissions (3):

GeneDx
Classification: Uncertain significance. Last evaluated: 2025-05-20. Review status: criteria provided, single submitter. Criteria: GeneDx Variant Classification Process June 2021. Collection method: clinical testing. Allele origin: germline. Affected: yes.
Comment: Not observed at significant frequency in large population cohorts (gnomAD); Frameshift variant predicted to result in protein truncation or nonsense mediated decay in a gene or region of a gene for which loss of function is not a well-established mechanism of disease; Has not been previously published as pathogenic or benign to our knowledge

Blueprint Genetics
Classification: Uncertain significance. Last evaluated: 2024-04-09. Review status: criteria provided, single submitter. Criteria: ACMG Guidelines, 2015. Collection method: clinical testing. Allele origin: germline.

Color Diagnostics, LLC DBA Color Health
Classification: Uncertain significance for Familial thoracic aortic aneurysm and aortic dissection. Last evaluated: 2020-01-30. Review status: criteria provided, single submitter. Criteria: ACMG Guidelines, 2015. Collection method: clinical testing. Allele origin: germline.
Comment: This variant deletes 4 nucleotides in exon 4 of the TGFBR2 gene, creating a frameshift and premature translation stop signal. This variant is expected to result in an absent or non-functional protein product. To our knowledge, functional assays have not been performed for this variant nor has this variant been reported in individuals affected with cardiovascular disorders in the literature. This variant has not been identified in the general population by the Genome Aggregation Database (gnomAD). Clinical significance of loss-of-function truncation variants in the TGFBR2 gene is not clearly established. The available evidence is insufficient to determine the role of this variant in disease conclusively. Therefore, this variant is classified as a Variant of Uncertain Significance.

NM_003242.6(TGFBR2):c.1226_1229del (p.Ser409fs)

Gene: TGFBR2 (transforming growth factor beta receptor 2; plus strand). Cytogenetic location: 3p24.1.
Variant type: Microsatellite.
Coding change: c.1226_1229del on transcript NM_003242.6 (MANE Select); coding-DNA positions 1226 to 1229, 4 bases deleted (CTGT; older notation c.1226_1229delCTGT).
Protein change: p.Ser409fs; shifts the reading frame from serine 409.
Molecular consequence: frameshift variant.
Genome position (GRCh38, 1-based): chr3:30,672,409-30,672,412, CTGT deleted; deleting any 4 consecutive bases within chr3:30,672,404-30,672,412 gives the same sequence; the c. name uses the placement nearest the transcript's 3' end. VCF-style (leftmost placement, unchanged base first): chr3-30672403-CTCTG-C. GRCh37 (hg19) VCF-style: chr3-30713895-CTCTG-C.
Other names: c.1297_1300CTGT[1], p.Ser434Trpfs (NM_001024847.3); c.1405_1408CTGT[1], p.Ser470Trpfs (NM_001407126.1); c.1330_1333CTGT[1], p.Ser445Trpfs (NM_001407127.1); c.1249_1252CTGT[1], p.Ser418Trpfs (NM_001407128.1); c.1225_1228CTGT[1], p.Ser410Trpfs (NM_001407129.1); c.1222_1225CTGT[1], p.Ser409Trpfs (NM_001407130.1); c.1117_1120CTGT[1], p.Ser374Trpfs (NM_001407132.1, NM_001407133.1, NM_001407134.1 and 2 more transcripts); c.937_940CTGT[1], p.Ser314Trpfs (NM_001407137.1); and 1 more; short protein forms S434fs, S409fs.
Identifiers: ClinVar variation 926648 (VCV000926648.6), dbSNP rs1699360883, ClinGen allele CA1139656096.